The following is an entry in ClinVar:

NM_001814.6(CTSC):c.1276_1288A[5]CAGCTGGGCCGCAGTCCGGCCTGGGCGACAGAGCGAGACTCCGTCTCAAAAAAAAAAAAAAAAAAAGAAAAAAAAAAACCGCTGGGGCNNNNNNNNNNAAAAAAAAAAAAAAAAAAAAAAAAACAGCTGGG[1] (p.Trp429_Gly430insAlaAlaValArgProGlyArgGlnSerGluThrProSerGlnLysLysLysLysLysLysLysLysLysAsnArgTrpGlyXaaXaaXaaXaaLysLysLysLysLysLysLysAsnSerTrp)

Gene: CTSC (cathepsin C; minus strand). Cytogenetic location: 11q14.2.
Variant type: Insertion.
Coding change: c.1276_1288A[5]CAGCTGGGCCGCAGTCCGGCCTGGGCGACAGAGCGAGACTCCGTCTCAAAAAAAAAAAAAAAAAAAGAAAAAAAAAAACCGCTGGGGCNNNNNNNNNNAAAAAAAAAAAAAAAAAAAAAAAAACAGCTGGG[1] on transcript NM_001814.6 (MANE Select).
Protein change: p.Trp429_Gly430insAlaAlaValArgProGlyArgGlnSerGluThrProSerGlnLysLysLysLysLysLysLysLysLysAsnArgTrpGlyXaaXaaXaaXaaLysLysLysLysLysLysLysAsnSerTrp.
Molecular consequence: inframe insertion.
Genome position: GRCh38: chr11:88,294,122-88,294,123. GRCh37 (hg19): chr11:88,027,290-88,027,291.
Identifiers: ClinVar variation 2922217 (VCV002922217.3), dbSNP rs2496528540.

ClinVar aggregate classification (germline): Uncertain significance (1 of 4 stars; one submission).

Conditions:
Periodontitis, aggressive. Identifiers: MedGen C0031106, MONDO:0980757.
Papillon-Lefèvre syndrome (PALS). Also called: KERATOSIS PALMOPLANTARIS WITH PERIODONTOPATHIA; Papillon-Lefevre Disease. Identifiers: Orphanet 678, MedGen C0030360, MONDO:0009490, OMIM 245000.
Haim-Munk syndrome (HMS). Also called: COCHIN JEWISH DISORDER; KERATOSIS PALMOPLANTARIS WITH PERIODONTOPATHIA AND ONYCHOGRYPOSIS. Identifiers: Orphanet 2342, MedGen C1855627, MONDO:0009491, OMIM 245010.

Submission:

Labcorp Genetics (formerly Invitae), Labcorp
Classification: Uncertain significance for Haim-Munk syndrome; Periodontitis, aggressive; Papillon-Lefèvre syndrome. Last evaluated: 2024-01-15. Review status: criteria provided, single submitter. Criteria: Invitae Variant Classification Sherloc (09022015). Collection method: clinical testing. Allele origin: germline.
Comment: This sequence change inserts a large fragment of DNA, likely a transposable element, in exon 7 of the CTSC gene (c.1288_1289ins?), causing a frameshift at codon 430 (p.Gly430fs). The exact size and sequence of the insertion cannot be determined by the current assay. However, the insertion is expected to result in an absent or disrupted protein product. This variant is not present in population databases (gnomAD no frequency). This variant has not been reported in the literature in individuals affected with CTSC-related conditions. Retrotransposon insertions including LINE1 (L1), Alu, and SVA (SINE-VNTR-Alu) have been reported to disrupt protein function (PMID: 19763152, 20307669, 22406018). However the effect of this particular variant is unknown. In summary, the available evidence is currently insufficient to determine the role of this variant in disease. Therefore, it has been classified as a Variant of Uncertain Significance.

Literature cited by the submitters: PubMed 19763152; PubMed 20307669; PubMed 22406018.